The following is an entry in ClinVar:

NM_024334.3(TMEM43):c.965G>C (p.Gly322Ala)

Gene: TMEM43 (transmembrane protein 43; plus strand). Cytogenetic location: 3p25.1.
Variant type: single nucleotide variant.
Coding change: c.965G>C on transcript NM_024334.3 (MANE Select); coding-DNA position 965, G replaced by C.
Protein change: p.Gly322Ala; replaces glycine 322 with alanine.
Molecular consequence: missense variant.
Genome position (GRCh38, 1-based): chr3:14,139,262, G>C. VCF-style: chr3-14139262-G-C. GRCh37 (hg19) VCF-style: chr3-14180762-G-C.
Other names: c.968G>C, p.Gly323Ala (NM_001407274.1); c.962G>C, p.Gly321Ala (NM_001407275.1, NM_001407276.1); c.959G>C, p.Gly320Ala (NM_001407277.1); c.950G>C, p.Gly317Ala (NM_001407278.1); c.890G>C, p.Gly297Ala (NM_001407279.1); c.815G>C, p.Gly272Ala (NM_001407280.1); short protein forms G272A, G297A, G317A, G320A, G321A, G322A, G323A.
Identifiers: ClinVar variation 4865751 (VCV004865751.1).

ClinVar aggregate classification (germline): Uncertain significance (1 of 4 stars; one submission).

Conditions:
Cardiovascular phenotype. Identifiers: MedGen CN230736.

gnomAD v4.1: 1 of 1,614,128 alleles (0.000062%); highest among the groups gnomAD compares: Non-Finnish European, 0.000085%; no homozygotes.

Submission:

Ambry Genetics
Classification: Uncertain significance for Cardiovascular phenotype. Last evaluated: 2026-05-20. Review status: criteria provided, single submitter. Criteria: Ambry Variant Classification Scheme 2023. Collection method: clinical testing. Allele origin: germline.
Comment: The p.G322A variant (also known as c.965G>C), located in coding exon 11 of the TMEM43 gene, results from a G to C substitution at nucleotide position 965. The glycine at codon 322 is replaced by alanine, an amino acid with similar properties. This amino acid position is conserved. In addition, the in silico prediction for this alteration is inconclusive. Based on the available evidence, the clinical significance of this variant remains unclear.